The following is an entry in ClinVar:

ClinVar aggregate classification (germline): Uncertain significance. Review status: criteria provided, multiple submitters, no conflicts (2 of 4 stars). 3 submissions from 3 submitters: Uncertain significance (3). Last evaluated 2025-05-23.

Conditions:
Inborn genetic diseases. Identifiers: MedGen C0950123, MeSH D030342.

Allele frequency attached by ClinVar (database versions not stated): TOPMed 0.00002.
gnomAD v4.1: 24 of 1,613,152 alleles (0.0015%); highest among the groups gnomAD compares: Admixed American, 0.028%; no homozygotes.

Submissions (3):

Ambry Genetics
Classification: Uncertain significance for Inborn genetic diseases. Last evaluated: 2025-05-23. Review status: criteria provided, single submitter. Criteria: Ambry Variant Classification Scheme 2023. Collection method: clinical testing. Allele origin: germline.

Labcorp Genetics (formerly Invitae), Labcorp
Classification: Uncertain significance. Last evaluated: 2022-10-24. Review status: criteria provided, single submitter. Criteria: Invitae Variant Classification Sherloc (09022015). Collection method: clinical testing. Allele origin: germline.
Comment: This sequence change replaces methionine, which is neutral and non-polar, with valine, which is neutral and non-polar, at codon 811 of the LRP2 protein (p.Met811Val). This variant is present in population databases (rs781156012, gnomAD 0.04%). This variant has not been reported in the literature in individuals affected with LRP2-related conditions. ClinVar contains an entry for this variant (Variation ID: 1428703). Advanced modeling of protein sequence and biophysical properties (such as structural, functional, and spatial information, amino acid conservation, physicochemical variation, residue mobility, and thermodynamic stability) performed at Invitae indicates that this missense variant is not expected to disrupt LRP2 protein function. In summary, the available evidence is currently insufficient to determine the role of this variant in disease. Therefore, it has been classified as a Variant of Uncertain Significance.

Blueprint Genetics
Classification: Uncertain significance. Last evaluated: 2020-03-12. Review status: criteria provided, single submitter. Criteria: ACMG Guidelines, 2015. Collection method: clinical testing. Allele origin: germline.

NM_004525.3(LRP2):c.2431A>G (p.Met811Val)

Gene: LRP2 (LDL receptor related protein 2; minus strand). Cytogenetic location: 2q31.1.
Variant type: single nucleotide variant.
Coding change: c.2431A>G on transcript NM_004525.3 (MANE Select); coding-DNA position 2431, A replaced by G.
Protein change: p.Met811Val; replaces methionine 811 with valine.
Molecular consequence: missense variant.
Genome position (GRCh38, 1-based): chr2:169,259,107, T>C on the plus strand (A>G on the coding strand, the complement: LRP2 is on the minus strand). VCF-style: chr2-169259107-T-C. GRCh37 (hg19) VCF-style: chr2-170115617-T-C.
Other names: c.2431A>G (NM_004525.2); short protein forms M811V.
Identifiers: ClinVar variation 1428703 (VCV001428703.7), dbSNP rs781156012, ClinGen allele CA1955301.